The following is an entry in ClinVar:

NM_021100.5(NFS1):c.-22G>A

Gene: NFS1 (NFS1 cysteine desulfurase; minus strand). Cytogenetic location: 20q11.22.
Variant type: single nucleotide variant.
Coding change: c.-22G>A on transcript NM_021100.5 (MANE Select); 22 bases upstream of the start codon, G replaced by A.
Molecular consequence: 5 prime UTR variant. On other transcripts: non-coding transcript variant (1).
Genome position (GRCh38, 1-based): chr20:35,699,310, C>T on the plus strand (G>A on the coding strand, the complement: NFS1 is on the minus strand). VCF-style: chr20-35699310-C-T. GRCh37 (hg19) VCF-style: chr20-34287232-C-T.
Other names: c.-22G>A (NM_001198989.2).
Identifiers: ClinVar variation 512659 (VCV000512659.1), dbSNP rs528986447, ClinGen allele CA314154301.
Genomic context (GRCh38, chr20:35,699,310, plus strand): 5'-CGCCACTGCCGCCCGCCTCCAAGCGGCTCGGAGCAGCATGGTCCCGCTGGCAGAGCCCAC[C>T]TTCCGAAGCCGCTGCAGTCCTGGGCCCCAGGCTCCCGGAAGTGCTGCCCGGCGCTCCGGA-3'

ClinVar aggregate classification (germline): Likely benign (1 of 4 stars; one submission).

Allele frequency attached by ClinVar (database versions not stated): gnomAD 0.00010 and 0.00011; TOPMed 0.00010; gnomAD exomes 0.00019 and 0.00023; 1000 Genomes Project 0.00020; 1000 Genomes Project 30x 0.00031.
gnomAD v4.1: 300 of 1,397,014 alleles (0.021%); highest among the groups gnomAD compares: Non-Finnish European, 0.026%; no homozygotes.

Submission:

GeneDx
Classification: Likely benign. Last evaluated: 2017-10-26. Review status: criteria provided, single submitter. Criteria: GeneDx Variant Classification (06012015). Collection method: clinical testing. Allele origin: germline. Affected: yes.
Comment: This variant is considered likely benign or benign based on one or more of the following criteria: it is a conservative change, it occurs at a poorly conserved position in the protein, it is predicted to be benign by multiple in silico algorithms, and/or has population frequency not consistent with disease.